The following is an entry in ClinVar:

NM_004336.5(BUB1):c.2897G>A (p.Cys966Tyr)

Gene: BUB1 (BUB1 mitotic checkpoint serine/threonine kinase; minus strand). Cytogenetic location: 2q13.
Variant type: single nucleotide variant.
Coding change: c.2897G>A on transcript NM_004336.5 (MANE Select); coding-DNA position 2897, G replaced by A.
Protein change: p.Cys966Tyr; replaces cysteine 966 with tyrosine.
Molecular consequence: missense variant.
Genome position (GRCh38, 1-based): chr2:110,641,092, C>T on the plus strand (G>A on the coding strand, the complement: BUB1 is on the minus strand). VCF-style: chr2-110641092-C-T. GRCh37 (hg19) VCF-style: chr2-111398669-C-T.
Other names: c.2837G>A, p.Cys946Tyr (NM_001278616.2); c.2726G>A, p.Cys909Tyr (NM_001278617.2); short protein forms C946Y, C909Y, C966Y.
Identifiers: ClinVar variation 3483057 (VCV003483057.1).

ClinVar aggregate classification (germline): Uncertain significance (1 of 4 stars; one submission).

Submission:

Ambry Genetics
Classification: Uncertain significance. Last evaluated: 2024-09-15. Review status: criteria provided, single submitter. Criteria: Ambry Variant Classification Scheme 2023. Collection method: clinical testing. Allele origin: germline.
Comment: The p.C966Y variant (also known as c.2897G>A), located in coding exon 23 of the BUB1 gene, results from a G to A substitution at nucleotide position 2897. The cysteine at codon 966 is replaced by tyrosine, an amino acid with highly dissimilar properties. This amino acid position is conserved. In addition, this alteration is predicted to be deleterious by in silico analysis. Based on the available evidence, the clinical significance of this variant remains unclear.